The following is an entry in ClinVar:

NM_004168.4(SDHA):c.1549_1551dup (p.Lys517dup)

Gene: SDHA (succinate dehydrogenase complex flavoprotein subunit A; plus strand). Cytogenetic location: 5p15.33.
Variant type: Duplication.
Coding change: c.1549_1551dup on transcript NM_004168.4 (MANE Select); coding-DNA positions 1549 to 1551, 3 bases duplicated (AAG; older notation c.1549_1551dupAAG).
Protein change: p.Lys517dup; duplicates lysine 517.
Molecular consequence: inframe insertion.
Genome position (GRCh38, 1-based): chr5:240,474-240,476, AAG duplicated; duplicating any 3 consecutive bases within chr5:240,472-240,476 gives the same sequence; the c. name uses the placement nearest the transcript's 3' end. VCF-style (leftmost placement, unchanged base first): chr5-240471-C-CAGA. GRCh37 (hg19) VCF-style: chr5-240586-C-CAGA.
Other names: c.1405_1407dup, p.Lys469dup (NM_001294332.2); c.1549_1551dup, p.Lys517dup (NM_001330758.2); c.1549_1551dupAAG (NM_004168.2).
Identifiers: ClinVar variation 953134 (VCV000953134.12), dbSNP rs1736070159, ClinGen allele CA442692261.

ClinVar aggregate classification (germline): Uncertain significance. Review status: criteria provided, multiple submitters, no conflicts (2 of 4 stars). 2 submissions from 2 submitters: Uncertain significance (2). Last evaluated 2025-12-22.

Conditions:
Hereditary cancer-predisposing syndrome. Also called: Hereditary Cancer Syndrome; Neoplastic Syndromes, Hereditary; Tumor predisposition; Hereditary neoplastic syndrome. Identifiers: Orphanet 140162, MedGen C0027672, MeSH D009386, MONDO:0015356.
Mitochondrial complex II deficiency, nuclear type 1. Also called: SUCCINATE CoQ REDUCTASE DEFICIENCY. Identifiers: Orphanet 3208, MedGen C5700310, MONDO:0100294, OMIM 252011.
Pheochromocytoma/paraganglioma syndrome 5. Also called: Paragangliomas 5; SDHA-Related Hereditary Paraganglioma-Pheochromocytoma Syndrome. Identifiers: Orphanet 29072, MedGen C3279992, MONDO:0013602, OMIM 614165.

Submissions (2):

Labcorp Genetics (formerly Invitae), Labcorp
Classification: Uncertain significance for Pheochromocytoma/paraganglioma syndrome 5; Mitochondrial complex II deficiency, nuclear type 1. Last evaluated: 2025-12-22. Review status: criteria provided, single submitter. Criteria: Invitae Variant Classification Sherloc (09022015). Collection method: clinical testing. Allele origin: germline.
Comment: This variant, c.1549_1551dup, results in the insertion of 1 amino acid(s) of the SDHA protein (p.Lys517dup), but otherwise preserves the integrity of the reading frame. This variant is not present in population databases (gnomAD no frequency). This variant has not been reported in the literature in individuals affected with SDHA-related conditions. ClinVar contains an entry for this variant (Variation ID: 953134). Experimental studies and prediction algorithms are not available or were not evaluated, and the functional significance of this variant is currently unknown. In summary, the available evidence is currently insufficient to determine the role of this variant in disease. Therefore, it has been classified as a Variant of Uncertain Significance.

Ambry Genetics
Classification: Uncertain significance for Hereditary cancer-predisposing syndrome. Last evaluated: 2023-06-12. Review status: criteria provided, single submitter. Criteria: Ambry Variant Classification Scheme 2023. Collection method: clinical testing. Allele origin: germline.
Comment: The c.1549_1551dupAAG variant (also known as p.K517dup), located in coding exon 11 of the SDHA gene, results from an in-frame duplication of AAG at nucleotide positions 1549 to 1551. This results in the duplication of an extra residue between codons 517 and 518. This amino acid position is highly conserved in available vertebrate species. In addition, this alteration is predicted to be deleterious by in silico analysis (Choi Y et al. PLoS ONE. 2012; 7(10):e46688). Since supporting evidence is limited at this time, the clinical significance of this alteration remains unclear.